The following is an entry in ClinVar:

NM_005094.4(SLC27A4):c.1259G>A (p.Arg420His)

Gene: SLC27A4 (solute carrier family 27 member 4; plus strand). Cytogenetic location: 9q34.11.
Variant type: single nucleotide variant.
Coding change: c.1259G>A on transcript NM_005094.4 (MANE Select); coding-DNA position 1259, G replaced by A.
Protein change: p.Arg420His; replaces arginine 420 with histidine.
Molecular consequence: missense variant.
Genome position (GRCh38, 1-based): chr9:128,353,476, G>A. VCF-style: chr9-128353476-G-A. GRCh37 (hg19) VCF-style: chr9-131115755-G-A.
Other names: short protein forms R420H.
Identifiers: ClinVar variation 3319370 (VCV003319370.2).

ClinVar aggregate classification (germline): Uncertain significance. Review status: criteria provided, multiple submitters, no conflicts (2 of 4 stars). 2 submissions from 2 submitters: Uncertain significance (2). Last evaluated 2024-04-18.

Conditions:
Ichthyosis prematurity syndrome (IPS). Also called: ICHTHYOSIS CONGENITA IV. Identifiers: Orphanet 88621, MedGen C1837610, MONDO:0012089, OMIM 608649.
Inborn genetic diseases. Identifiers: MedGen C0950123, MeSH D030342.

Submissions (2):

Ambry Genetics
Classification: Uncertain significance for Inborn genetic diseases. Last evaluated: 2024-04-18. Review status: criteria provided, single submitter. Criteria: Ambry Variant Classification Scheme 2023. Collection method: clinical testing. Allele origin: germline.

Neuberg Centre For Genomic Medicine, NCGM
Classification: Uncertain significance for Ichthyosis prematurity syndrome. Review status: criteria provided, single submitter. Criteria: ACMG Guidelines, 2015. Collection method: clinical testing. Allele origin: germline. Inheritance: Autosomal recessive inheritance. Affected: yes.
Comment: The missense c.1259G>A(p.Arg420His) variant in SLC27A4 gene has not been reported previously as a pathogenic variant nor as a benign variant, to our knowledge. The p.Arg420His variant is present with allele frequency of 0.01% in gnomAD Exomes. This variant has not been submitted to the ClinVar database. Multiple lines of computational evidences (Polyphen - Probably damaging, SIFT - Damaging and MutationTaster - Disease causing) predict a damaging effect on protein structure and function for this variant. The reference amino acid at this position on SLC27A4 gene is predicted as conserved by GERP++ and PhyloP across 100 vertebrates. The amino acid Arg at position 420 is changed to a His changing protein sequence and it might alter its composition and physico-chemical properties. For these reasons, this variant has been classified as a Variant of Uncertain Significance (VUS).